The following is an entry in ClinVar:

NM_001374736.1(DST):c.12704G>A (p.Arg4235Gln)

Gene: DST (dystonin; minus strand). Cytogenetic location: 6p12.1.
Variant type: single nucleotide variant.
Coding change: c.12704G>A on transcript NM_001374736.1 (MANE Select); coding-DNA position 12704, G replaced by A.
Protein change: p.Arg4235Gln; replaces arginine 4235 with glutamine.
Molecular consequence: missense variant.
Genome position (GRCh38, 1-based): chr6:56,593,685, C>T on the plus strand (G>A on the coding strand, the complement: DST is on the minus strand). VCF-style: chr6-56593685-C-T. GRCh37 (hg19) VCF-style: chr6-56458483-C-T.
Other names: c.6347G>A, p.Arg2116Gln (NM_001144769.5); c.5933G>A, p.Arg1978Gln (NM_001144770.2); c.12704G>A, p.Arg4235Gln (NM_001374722.1); c.12071G>A, p.Arg4024Gln (NM_001374729.1); c.5813G>A, p.Arg1938Gln (NM_001374730.1, NM_001386100.1, NM_183380.4); c.12731G>A, p.Arg4244Gln (NM_001374734.1); c.4835G>A, p.Arg1612Gln (NM_015548.5); short protein forms R1612Q, R4024Q, R4235Q, R1938Q, R1978Q, R2116Q, R4244Q.
Identifiers: ClinVar variation 1497279 (VCV001497279.6), dbSNP rs1213650979, ClinGen allele CA364525115.

ClinVar aggregate classification (germline): Uncertain significance (1 of 4 stars; one submission).

Conditions:
Epidermolysis bullosa simplex 3, localized or generalized intermediate, with BP230 deficiency (EBS3). Also called: Epidermolysis bullosa simplex due to BP230 deficiency; Epidermolysis bullosa simplex, autosomal recessive 2. Identifiers: Orphanet 412181, MedGen C3809470, MONDO:0014180, OMIM 615425.
Hereditary sensory and autonomic neuropathy type 6. Also called: Neuropathy, hereditary sensory and autonomic, type VI; HSAN VI. Identifiers: Orphanet 314381, MedGen C3539003, MONDO:0013839, OMIM 614653.

Allele frequency attached by ClinVar (database versions not stated): gnomAD 0.00001; gnomAD exomes 0.00001; TOPMed 0.00003.
gnomAD v4.1: 20 of 1,602,838 alleles (0.0012%); highest among the groups gnomAD compares: Middle Eastern, 0.033%; 1 homozygote.

Submission:

Labcorp Genetics (formerly Invitae), Labcorp
Classification: Uncertain significance for Epidermolysis bullosa simplex 3, localized or generalized intermediate, with BP230 deficiency; Hereditary sensory and autonomic neuropathy type 6. Last evaluated: 2024-05-01. Review status: criteria provided, single submitter. Criteria: Invitae Variant Classification Sherloc (09022015). Collection method: clinical testing. Allele origin: germline.
Comment: The DST gene has multiple clinically relevant transcripts. This variant occurs in alternate transcript NM_015548.4, and corresponds to NM_001723.5:c.*21832G>A in the primary transcript. This sequence change replaces arginine, which is basic and polar, with glutamine, which is neutral and polar, at codon 1612 of the DST protein (p.Arg1612Gln). This variant is present in population databases (no rsID available, gnomAD 0.003%). This variant has not been reported in the literature in individuals affected with DST-related conditions. Experimental studies and prediction algorithms are not available or were not evaluated, and the functional significance of this variant is currently unknown. In summary, the available evidence is currently insufficient to determine the role of this variant in disease. Therefore, it has been classified as a Variant of Uncertain Significance.